The following is an entry in ClinVar:

ClinVar aggregate classification (germline): Uncertain significance (1 of 4 stars; one submission).

Allele frequency attached by ClinVar (database versions not stated): TOPMed below 0.00001; gnomAD 0.00001.

Submission:

Labcorp Genetics (formerly Invitae), Labcorp
Classification: Uncertain significance. Last evaluated: 2022-08-03. Review status: criteria provided, single submitter. Criteria: Invitae Variant Classification Sherloc (09022015). Collection method: clinical testing. Allele origin: germline.
Comment: This variant has not been reported in the literature in individuals affected with KIF20A-related conditions. This variant is present in population databases (rs772029156, gnomAD 0.007%). This sequence change replaces valine, which is neutral and non-polar, with methionine, which is neutral and non-polar, at codon 467 of the KIF20A protein (p.Val467Met). ClinVar contains an entry for this variant (Variation ID: 1506605). In summary, the available evidence is currently insufficient to determine the role of this variant in disease. Therefore, it has been classified as a Variant of Uncertain Significance. Algorithms developed to predict the effect of missense changes on protein structure and function are either unavailable or do not agree on the potential impact of this missense change (SIFT: "Deleterious"; PolyPhen-2: "Probably Damaging"; Align-GVGD: "Class C15").

NM_005733.3(KIF20A):c.1399G>A (p.Val467Met)

Gene: KIF20A (kinesin family member 20A; plus strand). Cytogenetic location: 5q31.2.
Variant type: single nucleotide variant.
Coding change: c.1399G>A on transcript NM_005733.3 (MANE Select); coding-DNA position 1399, G replaced by A.
Protein change: p.Val467Met; replaces valine 467 with methionine.
Molecular consequence: missense variant.
Genome position (GRCh38, 1-based): chr5:138,184,285, G>A. VCF-style: chr5-138184285-G-A. GRCh37 (hg19) VCF-style: chr5-137519974-G-A.
Other names: short protein forms V467M.
Identifiers: ClinVar variation 1506605 (VCV001506605.8), dbSNP rs772029156, ClinGen allele CA3426597.